The following is an entry in ClinVar:

NM_000548.5(TSC2):c.3212C>T (p.Thr1071Ile)

Gene: TSC2 (TSC complex subunit 2; plus strand). Cytogenetic location: 16p13.3.
Variant type: single nucleotide variant.
Coding change: c.3212C>T on transcript NM_000548.5 (MANE Select); coding-DNA position 3212, C replaced by T.
Protein change: p.Thr1071Ile; replaces threonine 1071 with isoleucine.
Molecular consequence: missense variant.
Genome position (GRCh38, 1-based): chr16:2,079,356, C>T. VCF-style: chr16-2079356-C-T. GRCh37 (hg19) VCF-style: chr16-2129357-C-T.
Other names: c.3080C>T, p.Thr1027Ile (NM_001077183.3, NM_001370404.1); c.3212C>T, p.Thr1071Ile (NM_001114382.3); c.2972C>T, p.Thr991Ile (NM_001318827.2); c.2936C>T, p.Thr979Ile (NM_001318829.2); c.2480C>T, p.Thr827Ile (NM_001318831.2); c.3113C>T, p.Thr1038Ile (NM_001318832.2); c.3083C>T, p.Thr1028Ile (NM_001363528.2, NM_001370405.1, NM_021055.3); short protein forms T1071I, T1027I, T1028I, T991I, T1038I, T979I, T827I.
Identifiers: ClinVar variation 406076 (VCV000406076.20), dbSNP rs45498892, ClinGen allele CA16615090.

ClinVar aggregate classification (germline): Conflicting classifications of pathogenicity. Review status: criteria provided, conflicting classifications (1 of 4 stars). 5 submissions from 5 submitters: Uncertain significance (4); Likely benign (1). Last evaluated 2025-12-21.

Conditions:
Hereditary cancer-predisposing syndrome. Also called: Tumor predisposition; Neoplastic Syndromes, Hereditary; Hereditary Cancer Syndrome; Hereditary neoplastic syndrome. Identifiers: Orphanet 140162, MedGen C0027672, MeSH D009386, MONDO:0015356.
Tuberous sclerosis 2 (TSC2). Identifiers: Orphanet 805, MedGen C1860707, MONDO:0013199, OMIM 613254.

Allele frequency attached by ClinVar (database versions not stated): TOPMed below 0.00001; gnomAD exomes 0.00001.
gnomAD v4.1: 19 of 1,612,954 alleles (0.0012%); highest among the groups gnomAD compares: Non-Finnish European, 0.0016%; no homozygotes.

Submissions (5):

Labcorp Genetics (formerly Invitae), Labcorp
Classification: Likely benign for Tuberous sclerosis 2. Last evaluated: 2025-12-21. Review status: criteria provided, single submitter. Criteria: Invitae Variant Classification Sherloc (09022015). Collection method: clinical testing. Allele origin: germline.

Ambry Genetics
Classification: Uncertain significance for Hereditary cancer-predisposing syndrome. Last evaluated: 2024-07-16. Review status: criteria provided, single submitter. Criteria: Ambry Variant Classification Scheme 2023. Collection method: clinical testing. Allele origin: germline.
Comment: The p.T1071I variant (also known as c.3212C>T), located in coding exon 27 of the TSC2 gene, results from a C to T substitution at nucleotide position 3212. The threonine at codon 1071 is replaced by isoleucine, an amino acid with similar properties. This amino acid position is highly conserved in available vertebrate species. In addition, this alteration is predicted to be deleterious by in silico analysis. Since supporting evidence is limited at this time, the clinical significance of this alteration remains unclear.

GeneDx
Classification: Uncertain significance. Last evaluated: 2022-12-02. Review status: criteria provided, single submitter. Criteria: GeneDx Variant Classification Process June 2021. Collection method: clinical testing. Allele origin: germline. Affected: yes.
Comment: Not observed at significant frequency in large population cohorts (gnomAD); In silico analysis supports that this missense variant has a deleterious effect on protein structure/function; Has not been previously published as pathogenic or benign to our knowledge

Genome-Nilou Lab
Classification: Uncertain significance for Tuberous sclerosis 2. Last evaluated: 2021-11-07. Review status: criteria provided, single submitter. Criteria: ACMG Guidelines, 2015. Collection method: clinical testing. Allele origin: germline. Affected: no.

Center for Pediatric Genomic Medicine, Children's Mercy Hospital and Clinics
Classification: Uncertain significance. Last evaluated: 2017-08-24. Review status: criteria provided, single submitter. Criteria: ACMG Guidelines, 2015. Collection method: clinical testing. Allele origin: germline.